The following is an entry in ClinVar:

NM_032730.5(RTN4IP1):c.772G>A (p.Gly258Arg)

Gene: RTN4IP1 (reticulon 4 interacting protein 1; minus strand). Cytogenetic location: 6q21.
Variant type: single nucleotide variant.
Coding change: c.772G>A on transcript NM_032730.5 (MANE Select); coding-DNA position 772, G replaced by A.
Protein change: p.Gly258Arg; replaces glycine 258 with arginine.
Molecular consequence: missense variant.
Genome position (GRCh38, 1-based): chr6:106,592,198, C>T on the plus strand (G>A on the coding strand, the complement: RTN4IP1 is on the minus strand). VCF-style: chr6-106592198-C-T. GRCh37 (hg19) VCF-style: chr6-107040073-C-T.
Other names: c.772G>A (NM_032730.4); c.472G>A, p.Gly158Arg (NM_001318746.1); short protein forms G258R, G158R.
Identifiers: ClinVar variation 1393419 (VCV001393419.4), dbSNP rs148874908, ClinGen allele CA3944374.

ClinVar aggregate classification (germline): Uncertain significance. Review status: criteria provided, multiple submitters, no conflicts (2 of 4 stars). 2 submissions from 2 submitters: Uncertain significance (2). Last evaluated 2025-12-09.

Conditions:
Inborn genetic diseases. Identifiers: MedGen C0950123, MeSH D030342.

Allele frequency attached by ClinVar (database versions not stated): gnomAD exomes 0.00004 and below 0.00001; gnomAD 0.00010 and 0.00011; TOPMed 0.00006; 1000 Genomes Project 0.00020; ESP Exome Variant Server 0.00023; ExAC 0.00004; 1000 Genomes Project 30x 0.00031.
gnomAD v4.1: 24 of 1,614,026 alleles (0.0015%); highest among the groups gnomAD compares: African/African-American, 0.024%; no homozygotes.

Submissions (2):

Ambry Genetics
Classification: Uncertain significance for Inborn genetic diseases. Last evaluated: 2025-12-09. Review status: criteria provided, single submitter. Criteria: Ambry Variant Classification Scheme 2023. Collection method: clinical testing. Allele origin: germline.

Labcorp Genetics (formerly Invitae), Labcorp
Classification: Uncertain significance. Last evaluated: 2022-03-04. Review status: criteria provided, single submitter. Criteria: Invitae Variant Classification Sherloc (09022015). Collection method: clinical testing. Allele origin: germline.
Comment: This sequence change replaces glycine, which is neutral and non-polar, with arginine, which is basic and polar, at codon 258 of the RTN4IP1 protein (p.Gly258Arg). This variant is present in population databases (rs148874908, gnomAD 0.05%). This variant has not been reported in the literature in individuals affected with RTN4IP1-related conditions. Algorithms developed to predict the effect of missense changes on protein structure and function are either unavailable or do not agree on the potential impact of this missense change (SIFT: "Tolerated"; PolyPhen-2: "Possibly Damaging"; Align-GVGD: "Class C0"). Algorithms developed to predict the effect of sequence changes on RNA splicing suggest that this variant may create or strengthen a splice site. In summary, the available evidence is currently insufficient to determine the role of this variant in disease. Therefore, it has been classified as a Variant of Uncertain Significance.